The following is an entry in ClinVar:

ClinVar aggregate classification (germline): Uncertain significance. Review status: criteria provided, multiple submitters, no conflicts (2 of 4 stars). 2 submissions from 2 submitters: Uncertain significance (2). Last evaluated 2024-10-26.

Allele frequency attached by ClinVar (database versions not stated): gnomAD exomes 0.00001 and 0.00002; ExAC 0.00002; gnomAD 0.00002; TOPMed 0.00002.

Submissions (2):

Labcorp Genetics (formerly Invitae), Labcorp
Classification: Uncertain significance. Last evaluated: 2024-10-26. Review status: criteria provided, single submitter. Criteria: Invitae Variant Classification Sherloc (09022015). Collection method: clinical testing. Allele origin: germline.
Comment: This sequence change replaces glutamic acid, which is acidic and polar, with lysine, which is basic and polar, at codon 715 of the SPTB protein (p.Glu715Lys). This variant is present in population databases (rs773358270, gnomAD 0.008%). This variant has not been reported in the literature in individuals affected with SPTB-related conditions. ClinVar contains an entry for this variant (Variation ID: 1356563). An algorithm developed to predict the effect of missense changes on protein structure and function outputs the following: PolyPhen-2: "Benign". The lysine amino acid residue is found in multiple mammalian species, which suggests that this missense change does not adversely affect protein function. In summary, the available evidence is currently insufficient to determine the role of this variant in disease. Therefore, it has been classified as a Variant of Uncertain Significance.

Revvity Omics, Revvity
Classification: Uncertain significance. Last evaluated: 2024-06-07. Review status: criteria provided, single submitter. Criteria: ACMG Guidelines, 2015. Collection method: clinical testing. Allele origin: germline.

NM_001355436.2(SPTB):c.2143G>A (p.Glu715Lys)

Gene: SPTB (spectrin beta, erythrocytic; minus strand). Cytogenetic location: 14q23.3.
Variant type: single nucleotide variant.
Coding change: c.2143G>A on transcript NM_001355436.2 (MANE Select); coding-DNA position 2143, G replaced by A.
Protein change: p.Glu715Lys; replaces glutamic acid 715 with lysine.
Molecular consequence: missense variant.
Genome position (GRCh38, 1-based): chr14:64,793,520, C>T on the plus strand (G>A on the coding strand, the complement: SPTB is on the minus strand). VCF-style: chr14-64793520-C-T. GRCh37 (hg19) VCF-style: chr14-65260238-C-T.
Other names: c.2143G>A, p.Glu715Lys (NM_001024858.4, NM_001355437.2); short protein forms E715K.
Identifiers: ClinVar variation 1356563 (VCV001356563.7), dbSNP rs773358270, ClinGen allele CA7230934.